The following is an entry in ClinVar:

NM_003183.6(ADAM17):c.2464_2466dup (p.Thr822dup)

Genes: ADAM17 (ADAM metallopeptidase domain 17; minus strand), IAH1 (isoamyl acetate hydrolyzing esterase 1 (putative); plus strand). Cytogenetic location: 2p25.1.
Variant type: Duplication.
Coding change: c.2464_2466dup on transcript NM_003183.6 (MANE Select); coding-DNA positions 2464 to 2466, 3 bases duplicated (ACA; older notation c.2464_2466dupACA).
Protein change: p.Thr822dup; duplicates threonine 822.
Molecular consequence: inframe insertion.
Genome position (GRCh38, 1-based): chr2:9,490,186-9,490,188, TGT duplicated on the plus strand (ACA on the coding strand, the reverse complement: ADAM17 is on the minus strand); duplicating any 3 consecutive bases within chr2:9,490,186-9,490,189 gives the same sequence; the c. name uses the placement nearest the transcript's 3' end. VCF-style (leftmost placement, unchanged base first): chr2-9490185-C-CTGT. GRCh37 (hg19) VCF-style: chr2-9630314-C-CTGT.
Other names: c.1804_1806dup, p.Thr602dup (NM_001382777.1); c.1567_1569dup, p.Thr523dup (NM_001382778.1).
Identifiers: ClinVar variation 1011031 (VCV001011031.9), dbSNP rs1662005144, ClinGen allele CA1237475402.

ClinVar aggregate classification (germline): Uncertain significance (1 of 4 stars; one submission).

Conditions:
Inflammatory skin and bowel disease, neonatal, 1. Identifiers: Orphanet 294023, MedGen C3280501, MONDO:0013693, OMIM 614328.

Submission:

Labcorp Genetics (formerly Invitae), Labcorp
Classification: Uncertain significance for Inflammatory skin and bowel disease, neonatal, 1. Last evaluated: 2020-02-20. Review status: criteria provided, single submitter. Criteria: Invitae Variant Classification Sherloc (09022015). Collection method: clinical testing. Allele origin: germline.
Comment: This variant is not present in population databases (ExAC no frequency). This variant has not been reported in the literature in individuals with ADAM17-related conditions. Experimental studies and prediction algorithms are not available or were not evaluated, and the functional significance of this variant is currently unknown. In summary, the available evidence is currently insufficient to determine the role of this variant in disease. Therefore, it has been classified as a Variant of Uncertain Significance. This variant, c.2464_2466dup, results in the insertion of 1 amino acid(s) to the ADAM17 protein (p.Thr822dup), but otherwise preserves the integrity of the reading frame.